The following is an entry in ClinVar:

NM_000179.3(MSH6):c.2041C>G (p.Leu681Val)

Gene: MSH6 (mutS homolog 6; plus strand). Cytogenetic location: 2p16.3.
Variant type: single nucleotide variant.
Coding change: c.2041C>G on transcript NM_000179.3 (MANE Select); coding-DNA position 2041, C replaced by G.
Protein change: p.Leu681Val; replaces leucine 681 with valine.
Molecular consequence: missense variant.
Genome position (GRCh38, 1-based): chr2:47,800,024, C>G. VCF-style: chr2-47800024-C-G. GRCh37 (hg19) VCF-style: chr2-48027163-C-G.
Other names: c.1651C>G, p.Leu551Val (NM_001281492.2); c.1135C>G, p.Leu379Val (NM_001281493.2, NM_001281494.2); short protein forms L379V, L681V, L551V.
Identifiers: ClinVar variation 662780 (VCV000662780.14), dbSNP rs1553413412, ClinGen allele CA346750744.

ClinVar aggregate classification (germline): Uncertain significance. Review status: criteria provided, multiple submitters, no conflicts (2 of 4 stars). 3 submissions from 3 submitters: Uncertain significance (3). Last evaluated 2026-10-01.

Conditions:
Hereditary nonpolyposis colorectal neoplasms. Identifiers: MedGen C0009405, MeSH D003123.
Hereditary cancer-predisposing syndrome. Also called: Neoplastic Syndromes, Hereditary; Hereditary neoplastic syndrome; Hereditary Cancer Syndrome; Tumor predisposition. Identifiers: Orphanet 140162, MedGen C0027672, MeSH D009386, MONDO:0015356.
Lynch syndrome 5 (LYNCH5). Also called: Colorectal cancer, hereditary nonpolyposis, type 5; Hereditary non-polyposis colorectal cancer, type 5. Identifiers: Orphanet 144, MedGen C1833477, MONDO:0013710, OMIM 614350. Disease mechanism: loss of function.

Allele frequency attached by ClinVar (database versions not stated): gnomAD exomes below 0.00001.
gnomAD v4.1: 1 of 1,614,088 alleles (0.000062%); highest among the groups gnomAD compares: Non-Finnish European, 0.000085%; no homozygotes.

Submissions (3):

St. Jude Molecular Pathology, St. Jude Children's Research Hospital
Classification: Uncertain significance for Lynch syndrome 5. Last evaluated: 2026-10-01. Review status: criteria provided, single submitter. Criteria: St. Jude Assertion Criteria 2020. Collection method: clinical testing. Allele origin: germline.
Comment: The MSH6 c.2041C> G p.(Leu681Val) missense change is absent in gnomAD v2.1.1. In silico tools predict a benign effect of this variant on protein function, but to our knowledge this prediction has not been confirmed by functional studies . To our knowledge, this variant has not been reported in individuals with Lynch syndrome or constitutional mismatch repair deficiency. In summary, the evidence currently available is insufficient to determine the clinical significance of this variant. It has therefore been classified as of uncertain significance.

Labcorp Genetics (formerly Invitae), Labcorp
Classification: Uncertain significance for Hereditary nonpolyposis colorectal neoplasms. Last evaluated: 2025-10-07. Review status: criteria provided, single submitter. Criteria: Invitae Variant Classification Sherloc (09022015). Collection method: clinical testing. Allele origin: germline.
Comment: This sequence change replaces leucine, which is neutral and non-polar, with valine, which is neutral and non-polar, at codon 681 of the MSH6 protein (p.Leu681Val). This variant is not present in population databases (gnomAD no frequency). This variant has not been reported in the literature in individuals affected with MSH6-related conditions. ClinVar contains an entry for this variant (Variation ID: 662780). Invitae Evidence Modeling of protein sequence and biophysical properties (such as structural, functional, and spatial information, amino acid conservation, physicochemical variation, residue mobility, and thermodynamic stability) indicates that this missense variant is not expected to disrupt MSH6 protein function with a negative predictive value of 95%. In summary, the available evidence is currently insufficient to determine the role of this variant in disease. Therefore, it has been classified as a Variant of Uncertain Significance.

Ambry Genetics
Classification: Uncertain significance for Hereditary cancer-predisposing syndrome. Last evaluated: 2025-02-05. Review status: criteria provided, single submitter. Criteria: Ambry Variant Classification Scheme 2023. Collection method: clinical testing. Allele origin: germline.
Comment: The p.L681V variant (also known as c.2041C>G), located in coding exon 4 of the MSH6 gene, results from a C to G substitution at nucleotide position 2041. The leucine at codon 681 is replaced by valine, an amino acid with highly similar properties. This amino acid position is highly conserved in available vertebrate species. In addition, the in silico prediction for this alteration is inconclusive. This alteration was identified in a cohort of 481 Chinese breast cancer patients with family history of breast/ovarian cancer (Wang J et al. Cancer Med, 2019 May;8:2074-2084). Since supporting evidence is limited at this time, the clinical significance of this alteration remains unclear.

Literature cited by the submitters: PubMed 30982232 (cited by Ambry Genetics).